The following is an entry in ClinVar:

NM_012123.4(MTO1):c.1135G>A (p.Gly379Ser)

Gene: MTO1 (mitochondrial tRNA translation optimization 1; plus strand). Cytogenetic location: 6q13.
Variant type: single nucleotide variant.
Coding change: c.1135G>A on transcript NM_012123.4 (MANE Select); coding-DNA position 1135, G replaced by A.
Protein change: p.Gly379Ser; replaces glycine 379 with serine.
Molecular consequence: missense variant.
Genome position (GRCh38, 1-based): chr6:73,480,680, G>A. VCF-style: chr6-73480680-G-A. GRCh37 (hg19) VCF-style: chr6-74190403-G-A.
Other names: c.1135G>A, p.Gly379Ser (NM_001123226.2); c.1210G>A, p.Gly404Ser (NM_133645.3); c.1135G>A (NM_001123226.1); short protein forms G379S, G404S.
Identifiers: ClinVar variation 1400668 (VCV001400668.5), dbSNP rs746493463, ClinGen allele CA3889551.

ClinVar aggregate classification (germline): Uncertain significance. Review status: criteria provided, multiple submitters, no conflicts (2 of 4 stars). 2 submissions from 2 submitters: Uncertain significance (2). Last evaluated 2025-03-04.

Conditions:
Mitochondrial hypertrophic cardiomyopathy with lactic acidosis due to MTO1 deficiency. Also called: CARDIOMYOPATHY, INFANTILE HYPERTROPHIC MITOCHONDRIAL, AND LACTIC ACIDOSIS; Combined oxidative phosphorylation deficiency 10. Identifiers: Orphanet 314637, MedGen C4749921, MONDO:0013865, OMIM 614702.
Inborn genetic diseases. Identifiers: MedGen C0950123, MeSH D030342.

Allele frequency attached by ClinVar (database versions not stated): gnomAD exomes below 0.00001 and 0.00002; ExAC 0.00001.
gnomAD v4.1: 32 of 1,613,824 alleles (0.002%); highest among the groups gnomAD compares: South Asian, 0.0033%; no homozygotes.

Submissions (2):

Ambry Genetics
Classification: Uncertain significance for Inborn genetic diseases. Last evaluated: 2025-03-04. Review status: criteria provided, single submitter. Criteria: Ambry Variant Classification Scheme 2023. Collection method: clinical testing. Allele origin: germline.

Labcorp Genetics (formerly Invitae), Labcorp
Classification: Uncertain significance for Mitochondrial hypertrophic cardiomyopathy with lactic acidosis due to MTO1 deficiency. Last evaluated: 2024-10-15. Review status: criteria provided, single submitter. Criteria: Invitae Variant Classification Sherloc (09022015). Collection method: clinical testing. Allele origin: germline.
Comment: This sequence change replaces glycine, which is neutral and non-polar, with serine, which is neutral and polar, at codon 379 of the MTO1 protein (p.Gly379Ser). This variant is present in population databases (rs746493463, gnomAD 0.0009%). This variant has not been reported in the literature in individuals affected with MTO1-related conditions. ClinVar contains an entry for this variant (Variation ID: 1400668). Invitae Evidence Modeling of protein sequence and biophysical properties (such as structural, functional, and spatial information, amino acid conservation, physicochemical variation, residue mobility, and thermodynamic stability) indicates that this missense variant is not expected to disrupt MTO1 protein function with a negative predictive value of 80%. In summary, the available evidence is currently insufficient to determine the role of this variant in disease. Therefore, it has been classified as a Variant of Uncertain Significance.